The following is an entry in ClinVar:

ClinVar aggregate classification (germline): Pathogenic (1 of 4 stars; one submission).

Submission:

Labcorp Genetics (formerly Invitae), Labcorp
Classification: Pathogenic. Last evaluated: 2022-08-23. Review status: criteria provided, single submitter. Criteria: Invitae Variant Classification Sherloc (09022015). Collection method: clinical testing. Allele origin: germline.
Comment: For these reasons, this variant has been classified as Pathogenic. ClinVar contains an entry for this variant (Variation ID: 1458676). This variant has not been reported in the literature in individuals affected with COL2A1-related conditions. This variant is not present in population databases (gnomAD no frequency). This sequence change creates a premature translational stop signal (p.Gly279*) in the COL2A1 gene. It is expected to result in an absent or disrupted protein product. Loss-of-function variants in COL2A1 are known to be pathogenic (PMID: 20179744).

Literature cited by the submitters: PubMed 20179744.

NM_001844.5(COL2A1):c.835G>T (p.Gly279Ter)

Gene: COL2A1 (collagen type II alpha 1 chain; minus strand). Cytogenetic location: 12q13.11.
Variant type: single nucleotide variant.
Coding change: c.835G>T on transcript NM_001844.5 (MANE Select); coding-DNA position 835, G replaced by T.
Protein change: p.Gly279Ter; replaces glycine 279 with a stop codon.
Molecular consequence: nonsense.
Genome position (GRCh38, 1-based): chr12:47,994,029, C>A on the plus strand (G>T on the coding strand, the complement: COL2A1 is on the minus strand). VCF-style: chr12-47994029-C-A. GRCh37 (hg19) VCF-style: chr12-48387812-C-A.
Other names: c.628G>T, p.Gly210Ter (NM_033150.3); short protein forms G210*, G279*.
Identifiers: ClinVar variation 1458676 (VCV001458676.6), dbSNP rs2136610618, ClinGen allele CA384522343.